The following is an entry in ClinVar:

NM_001369.3(DNAH5):c.36T>G (p.His12Gln)

Gene: DNAH5 (dynein axonemal heavy chain 5; minus strand). Cytogenetic location: 5p15.2.
Variant type: single nucleotide variant.
Coding change: c.36T>G on transcript NM_001369.3 (MANE Select); coding-DNA position 36, T replaced by G.
Protein change: p.His12Gln; replaces histidine 12 with glutamine.
Molecular consequence: missense variant.
Genome position (GRCh38, 1-based): chr5:13,944,403, A>C on the plus strand (T>G on the coding strand, the complement: DNAH5 is on the minus strand). VCF-style: chr5-13944403-A-C. GRCh37 (hg19) VCF-style: chr5-13944512-A-C.
Other names: short protein forms H12Q.
Identifiers: ClinVar variation 178760 (VCV000178760.35), dbSNP rs339445, ClinGen allele CA182954.

ClinVar aggregate classification (germline): Benign/Likely benign. Review status: criteria provided, multiple submitters, no conflicts (2 of 4 stars). 14 submissions from 14 submitters: Benign (10); Likely benign (1). 3 of the submissions do not count toward it. Last evaluated 2026-02-04.

Conditions:
Primary ciliary dyskinesia 3. Identifiers: Orphanet 244, MedGen C1837618, MONDO:0012085, OMIM 608644.
Primary ciliary dyskinesia. Also called: Ciliary dyskinesia. Identifiers: Orphanet 244, MedGen C0008780, MONDO:0016575, HP:0012265.

Allele frequency attached by ClinVar (database versions not stated): 1000 Genomes Project 30x 0.91115; 1000 Genomes Project 0.91294; TOPMed 0.92186; ESP Exome Variant Server 0.92557; gnomAD 0.92590 and 0.92715; ExAC 0.93580; gnomAD exomes 0.93600 and 0.94010.
gnomAD v4.1: 1,514,101 of 1,613,616 alleles (94%); highest among the groups gnomAD compares: Admixed American, 95%; 710,864 homozygotes.

Submissions (14):

Labcorp Genetics (formerly Invitae), Labcorp
Classification: Benign for Primary ciliary dyskinesia. Last evaluated: 2026-02-04. Review status: criteria provided, single submitter. Criteria: Invitae Variant Classification Sherloc (09022015). Collection method: clinical testing. Allele origin: germline.

Blueprint Genetics
Classification: Likely benign. Last evaluated: 2024-11-26. Review status: criteria provided, single submitter. Criteria: ACMG Guidelines, 2015. Collection method: clinical testing. Allele origin: germline.

Mayo Clinic Laboratories, Mayo Clinic
Classification: Benign. Last evaluated: 2022-04-26. Review status: criteria provided, single submitter. Criteria: ACMG Guidelines, 2015. Collection method: clinical testing. Allele origin: germline. Observed: 207 variant alleles.

Genome-Nilou Lab
Classification: Benign for Primary ciliary dyskinesia 3. Last evaluated: 2021-07-30. Review status: criteria provided, single submitter. Criteria: ACMG Guidelines, 2015. Collection method: clinical testing. Allele origin: germline. Affected: no.

Pars Genome Lab
Classification: Benign for Primary ciliary dyskinesia 3. Last evaluated: 2021-06-15. Review status: criteria provided, single submitter. Criteria: ACMG Guidelines, 2015. Collection method: clinical testing. Allele origin: germline. Affected: no.

GeneDx
Classification: Benign. Last evaluated: 2018-11-10. Review status: criteria provided, single submitter. Criteria: GeneDx Variant Classification Process June 2021. Collection method: clinical testing. Allele origin: germline. Affected: yes.

Illumina Laboratory Services, Illumina
Classification: Benign for Primary ciliary dyskinesia 3. Last evaluated: 2018-01-13. Review status: criteria provided, single submitter. Criteria: ICSL Variant Classification Criteria 13 December 2019. Collection method: clinical testing. Allele origin: germline.
Comment: This variant was observed in the ICSL laboratory as part of a predisposition screen in an ostensibly healthy population. It had not been previously curated by ICSL or reported in the Human Gene Mutation Database (HGMD: prior to June 1st, 2018), and was therefore a candidate for classification through an automated scoring system. Utilizing variant allele frequency, disease prevalence and penetrance estimates, and inheritance mode, an automated score was calculated to assess if this variant is too frequent to cause the disease. Based on the score and internal cut-off values, a variant classified as benign is not then subjected to further curation. The score for this variant resulted in a classification of benign for this disease.

Ambry Genetics
Classification: Benign for Primary ciliary dyskinesia. Last evaluated: 2014-11-26. Review status: criteria provided, single submitter. Criteria: Ambry Variant Classification Scheme 2023. Collection method: clinical testing. Allele origin: germline.

Laboratory for Molecular Medicine, Mass General Brigham Personalized Medicine
Classification: Benign. Last evaluated: 2013-02-21. Review status: criteria provided, single submitter. Criteria: LMM Criteria. Collection method: clinical testing. Allele origin: germline. Observed: 106 variant alleles.
Comment: His12Gln in exon 1 of DNAH5: This variant is not expected to have clinical signi ficance because it has been identified in 10.6% (469/4406) of African American c hromosomes from a broad population by the NHLBI Exome Sequencing Project (dbSNP rs339445).

Breakthrough Genomics
Classification: Benign. Review status: criteria provided, single submitter. Criteria: ACMG Guidelines, 2015. Collection method: not provided. Allele origin: germline. Inheritance: Autosomal recessive inheritance. Affected: yes.

PreventionGenetics, part of Exact Sciences
Classification: Benign. Review status: criteria provided, single submitter. Criteria: ACMG Guidelines, 2015. Collection method: clinical testing. Allele origin: germline.

Natera, Inc.
Classification: Benign for Primary ciliary dyskinesia. Last evaluated: 2020-09-16. Review status: no assertion criteria provided. Collection method: clinical testing. Allele origin: germline. Not counted in ClinVar's aggregate classification.

Clinical Genetics DNA and cytogenetics Diagnostics Lab, Erasmus MC, Erasmus Medical Center
Classification: Benign. Review status: no assertion criteria provided. Collection method: clinical testing. Allele origin: germline. Affected: yes. Study: VKGL Data-share Consensus. Not counted in ClinVar's aggregate classification.

Diagnostic Laboratory, Department of Genetics, University Medical Center Groningen
Classification: Benign. Review status: no assertion criteria provided. Collection method: clinical testing. Allele origin: germline. Affected: yes. Study: VKGL Data-share Consensus. Not counted in ClinVar's aggregate classification.